The following is an entry in ClinVar:

NM_001330260.2(SCN8A):c.1103C>T (p.Thr368Ile)

Gene: SCN8A (sodium voltage-gated channel alpha subunit 8; plus strand). Cytogenetic location: 12q13.13.
Variant type: single nucleotide variant.
Coding change: c.1103C>T on transcript NM_001330260.2 (MANE Select); coding-DNA position 1103, C replaced by T.
Protein change: p.Thr368Ile; replaces threonine 368 with isoleucine.
Molecular consequence: missense variant.
Genome position (GRCh38, 1-based): chr12:51,702,883, C>T. VCF-style: chr12-51702883-C-T. GRCh37 (hg19) VCF-style: chr12-52096667-C-T.
Other names: c.1103C>T, p.Thr368Ile (NM_001177984.3, NM_001369788.1, NM_014191.4); short protein forms T368I.
Identifiers: ClinVar variation 4801270 (VCV004801270.1).

ClinVar aggregate classification (germline): Likely pathogenic (1 of 4 stars; one submission).

Conditions:
Early-infantile DEE. Also called: Early infantile epileptic encephalopathy with suppression bursts; Early infantile epileptic encephalopathy; Ohtahara syndrome. Identifiers: Orphanet 1934, MedGen C0393706, MONDO:0800491.

Submission:

Labcorp Genetics (formerly Invitae), Labcorp
Classification: Likely pathogenic for Early-infantile DEE. Last evaluated: 2025-12-13. Review status: criteria provided, single submitter. Criteria: Invitae Variant Classification Sherloc (09022015). Collection method: clinical testing. Allele origin: germline.
Comment: This sequence change replaces threonine, which is neutral and polar, with isoleucine, which is neutral and non-polar, at codon 368 of the SCN8A protein (p.Thr368Ile). This variant is not present in population databases (gnomAD no frequency). This missense change has been observed in individual(s) with infantile seizures (PMID: 38160512). It has also been observed to segregate with disease in related individuals. Invitae Evidence Modeling of protein sequence and biophysical properties (such as structural, functional, and spatial information, amino acid conservation, physicochemical variation, residue mobility, and thermodynamic stability) indicates that this missense variant is expected to disrupt SCN8A protein function with a positive predictive value of 95%. In summary, the currently available evidence indicates that the variant is pathogenic, but additional data are needed to prove that conclusively. Therefore, this variant has been classified as Likely Pathogenic.

Literature cited by the submitters: PubMed 38160512.